The following is an entry in ClinVar:

ClinVar aggregate classification (germline): Uncertain significance. Review status: criteria provided, multiple submitters, no conflicts (2 of 4 stars). 2 submissions from 2 submitters: Uncertain significance (2). Last evaluated 2025-03-28.

Conditions:
Hereditary cancer-predisposing syndrome. Also called: Hereditary neoplastic syndrome; Hereditary Cancer Syndrome; Tumor predisposition; Neoplastic Syndromes, Hereditary. Identifiers: Orphanet 140162, MedGen C0027672, MeSH D009386, MONDO:0015356.

Allele frequency attached by ClinVar (database versions not stated): gnomAD exomes below 0.00001; ExAC 0.00001.

Submissions (2):

Ambry Genetics
Classification: Uncertain significance for Hereditary cancer-predisposing syndrome. Last evaluated: 2025-03-28. Review status: criteria provided, single submitter. Criteria: Ambry Variant Classification Scheme 2023. Collection method: clinical testing. Allele origin: germline.
Comment: The p.A236E variant (also known as c.707C>A), located in coding exon 2 of the HOXB13 gene, results from a C to A substitution at nucleotide position 707. The alanine at codon 236 is replaced by glutamic acid, an amino acid with dissimilar properties. This amino acid position is not well conserved in available vertebrate species. In addition, the in silico prediction for this alteration is inconclusive. Based on the available evidence, the clinical significance of this variant remains unclear.

Labcorp Genetics (formerly Invitae), Labcorp
Classification: Uncertain significance. Last evaluated: 2025-03-19. Review status: criteria provided, single submitter. Criteria: Invitae Variant Classification Sherloc (09022015). Collection method: clinical testing. Allele origin: germline.
Comment: This sequence change replaces alanine, which is neutral and non-polar, with glutamic acid, which is acidic and polar, at codon 236 of the HOXB13 protein (p.Ala236Glu). This variant is present in population databases (rs754487444, gnomAD 0.003%). This variant has not been reported in the literature in individuals affected with HOXB13-related conditions. ClinVar contains an entry for this variant (Variation ID: 1519761). Invitae Evidence Modeling of protein sequence and biophysical properties (such as structural, functional, and spatial information, amino acid conservation, physicochemical variation, residue mobility, and thermodynamic stability) indicates that this missense variant is not expected to disrupt HOXB13 protein function with a negative predictive value of 80%. In summary, the available evidence is currently insufficient to determine the role of this variant in disease. Therefore, it has been classified as a Variant of Uncertain Significance.

NM_006361.6(HOXB13):c.707C>A (p.Ala236Glu)

Gene: HOXB13 (homeobox B13; minus strand). Cytogenetic location: 17q21.32.
Variant type: single nucleotide variant.
Coding change: c.707C>A on transcript NM_006361.6 (MANE Select); coding-DNA position 707, C replaced by A.
Protein change: p.Ala236Glu; replaces alanine 236 with glutamic acid.
Molecular consequence: missense variant.
Genome position (GRCh38, 1-based): chr17:48,726,938, G>T on the plus strand (C>A on the coding strand, the complement: HOXB13 is on the minus strand). VCF-style: chr17-48726938-G-T. GRCh37 (hg19) VCF-style: chr17-46804300-G-T.
Other names: c.707C>A (NM_006361.5); short protein forms A236E.
Identifiers: ClinVar variation 1519761 (VCV001519761.7), dbSNP rs754487444, ClinGen allele CA8633924.